The following is an entry in ClinVar:

ClinVar aggregate classification (germline): Uncertain significance (1 of 4 stars; one submission).

Submission:

GeneDx
Classification: Uncertain significance. Last evaluated: 2025-08-07. Review status: criteria provided, single submitter. Criteria: GeneDx Variant Classification Process June 2021. Collection method: clinical testing. Allele origin: germline.
Comment: In silico analysis suggests that this variant does not alter protein structure/function; Has not been previously published as pathogenic or benign to our knowledge

NM_001039876.3(SYNE4):c.223_225delinsTCA (p.Pro75Ser)

Gene: SYNE4 (spectrin repeat containing nuclear envelope family member 4; minus strand). Cytogenetic location: 19q13.12.
Variant type: Indel.
Coding change: c.223_225delinsTCA on transcript NM_001039876.3 (MANE Select); coding-DNA positions 223 to 225, CCG replaced by TCA.
Protein change: p.Pro75Ser; replaces proline 75 with serine.
Molecular consequence: missense variant.
Genome position (GRCh38, 1-based): chr19:36,008,271-36,008,273, CGG replaced by TGA on the plus strand (CCG replaced by TCA on the coding strand, the reverse complement: SYNE4 is on the minus strand). VCF-style: chr19-36008271-CGG-TGA. GRCh37 (hg19) VCF-style: chr19-36499173-CGG-TGA.
Other names: c.223_225delinsTCA, p.Pro75Ser (NM_001297735.3); short protein forms P75S.
Identifiers: ClinVar variation 1810704 (VCV001810704.2), dbSNP rs2514049011, ClinGen allele CA2580096947.